The following is an entry in ClinVar:

NM_000061.3(BTK):c.797G>A (p.Ser266Asn)

Gene: BTK (Bruton tyrosine kinase; minus strand). Cytogenetic location: Xq22.1.
Variant type: single nucleotide variant.
Coding change: c.797G>A on transcript NM_000061.3 (MANE Select); coding-DNA position 797, G replaced by A.
Protein change: p.Ser266Asn; replaces serine 266 with asparagine.
Molecular consequence: missense variant.
Genome position (GRCh38, 1-based): chrX:101,360,130, C>T on the plus strand (G>A on the coding strand, the complement: BTK is on the minus strand). VCF-style: chrX-101360130-C-T. GRCh37 (hg19) VCF-style: chrX-100615118-C-T.
Other names: c.899G>A, p.Ser300Asn (NM_001287344.2); c.797G>A, p.Ser266Asn (NM_001287345.2); short protein forms S300N, S266N.
Identifiers: ClinVar variation 4982386 (VCV004982386.1).

ClinVar aggregate classification (germline): Uncertain significance (1 of 4 stars; one submission).

Conditions:
BTK-related disorder. Also called: BTK-related condition.

gnomAD v4.1: 5 of 1,205,734 alleles (0.00041%); highest among the groups gnomAD compares: East Asian, 0.0089%; no homozygotes.

Submission:

PreventionGenetics, part of Exact Sciences
Classification: Uncertain significance for BTK-related condition. Last evaluated: 2026-09-23. Review status: criteria provided, single submitter. Criteria: ACMG Guidelines, 2015. Collection method: clinical testing. Allele origin: germline.
Comment: The BTK c.797G>A variant is predicted to result in the amino acid substitution p.Ser266Asn. To our knowledge, this variant has not been reported in the literature. This variant is reported in 0.0072% of alleles in individuals of East Asian descent in gnomAD. At this time, the clinical significance of this variant is uncertain due to the absence of conclusive functional and genetic evidence.